The following is an entry in ClinVar:

ClinVar aggregate classification (germline): Likely benign (1 of 4 stars; one submission).

Conditions:
Congenital defect of folate absorption. Also called: Hereditary Folate Malabsorption. Identifiers: Orphanet 90045, MedGen C0342705, MONDO:0009238, OMIM 229050.

Allele frequency attached by ClinVar (database versions not stated): gnomAD 0.00006; gnomAD exomes 0.00019 and 0.00037; TOPMed 0.00024; ExAC 0.00049.
gnomAD v4.1: 127 of 1,571,174 alleles (0.0081%); highest among the groups gnomAD compares: Admixed American, 0.2%; 2 homozygotes.

Submission:

Illumina Laboratory Services, Illumina
Classification: Likely benign for Congenital defect of folate absorption. Last evaluated: 2018-01-12. Review status: criteria provided, single submitter. Criteria: ICSL Variant Classification Criteria 13 December 2019. Collection method: clinical testing. Allele origin: germline.
Comment: This variant was observed in the ICSL laboratory as part of a predisposition screen in an ostensibly healthy population. It had not been previously curated by ICSL or reported in the Human Gene Mutation Database (HGMD: prior to June 1st, 2018), and was therefore a candidate for classification through an automated scoring system. Utilizing variant allele frequency, disease prevalence and penetrance estimates, and inheritance mode, an automated score was calculated to assess if this variant is too frequent to cause the disease. Based on the score and internal cut-off values, a variant classified as likely benign is not then subjected to further curation. The score for this variant resulted in a classification of likely benign for this disease.

NM_080669.6(SLC46A1):c.*60G>T

Genes: SARM1 (sterile alpha and TIR motif containing 1; plus strand), SLC46A1 (solute carrier family 46 member 1; minus strand). Cytogenetic location: 17q11.2.
Variant type: single nucleotide variant.
Coding change: c.*60G>T on transcript NM_080669.6 (MANE Select); 60 bases downstream of the stop codon, G replaced by T.
Molecular consequence: 3 prime UTR variant.
Genome position (GRCh38, 1-based): chr17:28,399,596, C>A on the plus strand (G>T on the coding strand, the complement: SLC46A1 is on the minus strand). VCF-style: chr17-28399596-C-A. GRCh37 (hg19) VCF-style: chr17-26726612-C-A.
Other names: c.*60G>T (NM_001242366.3); c.*3310C>A (NM_015077.4).
Identifiers: ClinVar variation 322401 (VCV000322401.5), dbSNP rs41297121, ClinGen allele CA8458126.